The following is an entry in ClinVar:

ClinVar aggregate classification (germline): Uncertain significance (1 of 4 stars; one submission).

Submission:

Labcorp Genetics (formerly Invitae), Labcorp
Classification: Uncertain significance. Last evaluated: 2025-04-02. Review status: criteria provided, single submitter. Criteria: Invitae Variant Classification Sherloc (09022015). Collection method: clinical testing. Allele origin: germline.
Comment: This sequence change replaces proline, which is neutral and non-polar, with arginine, which is basic and polar, at codon 194 of the RNF31 protein (p.Pro194Arg). This variant is not present in population databases (gnomAD no frequency). This variant has not been reported in the literature in individuals affected with RNF31-related conditions. An algorithm developed to predict the effect of missense changes on protein structure and function (PolyPhen-2) suggests that this variant is likely to be disruptive. In summary, the available evidence is currently insufficient to determine the role of this variant in disease. Therefore, it has been classified as a Variant of Uncertain Significance.

NM_017999.5(RNF31):c.581C>G (p.Pro194Arg)

Gene: RNF31 (ring finger protein 31; plus strand). Cytogenetic location: 14q12.
Variant type: single nucleotide variant.
Coding change: c.581C>G on transcript NM_017999.5 (MANE Select); coding-DNA position 581, C replaced by G.
Protein change: p.Pro194Arg; replaces proline 194 with arginine.
Molecular consequence: missense variant.
Genome position (GRCh38, 1-based): chr14:24,148,826, C>G. VCF-style: chr14-24148826-C-G. GRCh37 (hg19) VCF-style: chr14-24618035-C-G.
Other names: c.128C>G, p.Pro43Arg (NM_001310332.2); short protein forms P194R, P43R.
Identifiers: ClinVar variation 4797239 (VCV004797239.1).